The following is an entry in ClinVar:

NM_001845.6(COL4A1):c.3806G>A (p.Gly1269Glu)

Gene: COL4A1 (collagen type IV alpha 1 chain; minus strand). Cytogenetic location: 13q34.
Variant type: single nucleotide variant.
Coding change: c.3806G>A on transcript NM_001845.6 (MANE Select); coding-DNA position 3806, G replaced by A.
Protein change: p.Gly1269Glu; replaces glycine 1269 with glutamic acid.
Molecular consequence: missense variant.
Genome position (GRCh38, 1-based): chr13:110,169,699, C>T on the plus strand (G>A on the coding strand, the complement: COL4A1 is on the minus strand). VCF-style: chr13-110169699-C-T. GRCh37 (hg19) VCF-style: chr13-110822046-C-T.
Other names: short protein forms G1269E.
Identifiers: ClinVar variation 1318449 (VCV001318449.3), dbSNP rs2139154502, ClinGen allele CA388661834.

ClinVar aggregate classification (germline): Likely pathogenic (1 of 4 stars; one submission).

Submission:

GeneDx
Classification: Likely pathogenic. Last evaluated: 2024-12-26. Review status: criteria provided, single submitter. Criteria: GeneDx Variant Classification Process June 2021. Collection method: clinical testing. Allele origin: germline. Affected: yes.
Comment: Affects a glycine residue in a Gly-X-Y motif in the triple helical region of the COL4A1 gene, where the majority of pathogenic missense variants occur, and is predicted to disrupt normal protein folding and function (PMID: 22522439, 23225343; HGMD); Not observed at significant frequency in large population cohorts (gnomAD); In silico analysis supports that this missense variant has a deleterious effect on protein structure/function; Has not been previously published as pathogenic or benign to our knowledge; This variant is associated with the following publications: (PMID: 22522439, 23225343)